The following is an entry in ClinVar:

ClinVar aggregate classification (germline): Uncertain significance (1 of 4 stars; one submission).

Conditions:
Developmental and epileptic encephalopathy, 11 (DEE11). Also called: Early infantile epileptic encephalopathy 11. Identifiers: Orphanet 1934, MedGen C3150987, MONDO:0013388, OMIM 613721.
Seizures, benign familial infantile, 3 (BFIS3). Also called: CONVULSIONS, BENIGN FAMILIAL INFANTILE, 3; Familial neonatal seizures. Identifiers: Orphanet 140927, Orphanet 306, MedGen C1843140, MONDO:0011904, OMIM 607745.

gnomAD v4.1: 2 of 1,614,050 alleles (0.00012%); highest among the groups gnomAD compares: South Asian, 0.0022%; no homozygotes.

Submission:

Labcorp Genetics (formerly Invitae), Labcorp
Classification: Uncertain significance for Seizures, benign familial infantile, 3; Developmental and epileptic encephalopathy, 11. Last evaluated: 2022-08-23. Review status: criteria provided, single submitter. Criteria: Invitae Variant Classification Sherloc (09022015). Collection method: clinical testing. Allele origin: germline.
Comment: This variant is not present in population databases (gnomAD no frequency). This sequence change replaces serine, which is neutral and polar, with cysteine, which is neutral and slightly polar, at codon 54 of the SCN2A protein (p.Ser54Cys). This variant has not been reported in the literature in individuals affected with SCN2A-related conditions. In summary, the available evidence is currently insufficient to determine the role of this variant in disease. Therefore, it has been classified as a Variant of Uncertain Significance. Algorithms developed to predict the effect of missense changes on protein structure and function are either unavailable or do not agree on the potential impact of this missense change (SIFT: "Deleterious"; PolyPhen-2: "Possibly Damaging"; Align-GVGD: "Class C0"). ClinVar contains an entry for this variant (Variation ID: 1025971).

NM_001040142.2(SCN2A):c.160A>T (p.Ser54Cys)

Gene: SCN2A (sodium voltage-gated channel alpha subunit 2; plus strand). Cytogenetic location: 2q24.3.
Variant type: single nucleotide variant.
Coding change: c.160A>T on transcript NM_001040142.2 (MANE Select); coding-DNA position 160, A replaced by T.
Protein change: p.Ser54Cys; replaces serine 54 with cysteine.
Molecular consequence: missense variant.
Genome position (GRCh38, 1-based): chr2:165,295,983, A>T. VCF-style: chr2-165295983-A-T. GRCh37 (hg19) VCF-style: chr2-166152493-A-T.
Other names: c.160A>T, p.Ser54Cys (NM_001040143.2, NM_001371246.1, NM_001371247.1 and 1 more transcripts); short protein forms S54C.
Identifiers: ClinVar variation 1025971 (VCV001025971.9), dbSNP rs557687080, ClinGen allele CA349010249.
Genomic context (GRCh38, chr2:165,295,983, plus strand): 5'-GCTAAGAGACCCAAACAGGAACGCAAGGATGAGGATGATGAAAATGGCCCAAAGCCAAAC[A>T]GTGACTTGGAAGCAGGAAAATCTCTTCCATTTATTTATGGAGACATTCCTCCAGAGATGG-3'
Protein context (NP_001035232.1, residues 44-64): EDDENGPKPN[Ser54Cys]DLEAGKSLPF